The following continues an entry in ClinVar:

NM_002834.5(PTPN11):c.214G>A (p.Ala72Thr)

Gene: PTPN11. ClinVar aggregate classification (germline): Pathogenic/Likely pathogenic. Pathogenic (6); Likely pathogenic (3). ClinVar aggregate classification (somatic clinical impact): Tier II - Potential.

Submissions 12 to 14 of 14:

Laboratory for Molecular Medicine, Mass General Brigham Personalized Medicine
Classification: Likely pathogenic for Noonan syndrome; Juvenile myelomonocytic leukemia. Last evaluated: 2015-02-11. Review status: criteria provided, single submitter. Criteria: LMM Criteria. Collection method: clinical testing. Allele origin: germline. Inheritance: Autosomal dominant inheritance. Observed: 1 variant allele.
Comment: It was absent from large population studies. This variant has also been reported as a somatic chan ge in at least 5 individuals with juvenile myelomonocytic leukemia (JMML; Kratz 2005, Tartaglia 2006). In addition, different amino acid changes at this positio n (p.Ala72Ser, p.Ala72Gly, p.Ala72Pro) have been reported in the germline of sev eral individuals with clinical features of Noonan syndrome (Kratz 2005, Tartagli a 2003, Lee 2008, LMM unpublished data). Computational prediction tools and cons ervation analysis suggest that this variant may impact the protein, though this information is not predictive enough to determine pathogenicity. In summary, alt hough additional studies are required to fully establish its clinical significan ce, the p.Ala72Thr variant is likely pathogenic.

Clinical Genetics DNA and cytogenetics Diagnostics Lab, Erasmus MC, Erasmus Medical Center
Classification: Pathogenic. Review status: no assertion criteria provided. Collection method: clinical testing. Allele origin: germline. Affected: yes. Study: VKGL Data-share Consensus. Not counted in ClinVar's aggregate classification.

Joint Genome Diagnostic Labs from Nijmegen and Maastricht, Radboudumc and MUMC+
Classification: Likely pathogenic. Review status: no assertion criteria provided. Collection method: clinical testing. Allele origin: germline. Affected: yes. Study: VKGL Data-share Consensus. Not counted in ClinVar's aggregate classification.

Literature cited by the submitters: PubMed 30417923 (cited by Ambry Genetics); PubMed 30868567 (cited by 3 submitters); PubMed 30896080 (cited by Ambry Genetics); PubMed 34958143 (cited by Ambry Genetics); PubMed 35904599 (cited by Ambry Genetics); PubMed 39596579 (cited by Ambry Genetics); PubMed 16358218 (cited by Institute for Genomic Medicine (IGM) Clinical Laboratory, Nationwide Children's Hospital and Laboratory for Molecular Medicine, Mass General Brigham Personalized Medicine); PubMed 23817572 (cited by Institute for Genomic Medicine (IGM) Clinical Laboratory, Nationwide Children's Hospital); PubMed 28912153 (cited by Institute for Genomic Medicine (IGM) Clinical Laboratory, Nationwide Children's Hospital); PubMed 32164789 (cited by Institute for Genomic Medicine (IGM) Clinical Laboratory, Nationwide Children's Hospital); PubMed 36349709 (cited by Dasa); PubMed 31250151 (cited by Institute for Genomic Medicine (IGM) Clinical Laboratory, Nationwide Children's Hospital); PubMed 32859279 (cited by Institute for Genomic Medicine (IGM) Clinical Laboratory, Nationwide Children's Hospital); PubMed 27626068 (cited by Institute for Genomic Medicine (IGM) Clinical Laboratory, Nationwide Children's Hospital); PubMed 15385933 (cited by Women's Health and Genetics/Laboratory Corporation of America, LabCorp); PubMed 14644997 (cited by Women's Health and Genetics/Laboratory Corporation of America, LabCorp and Laboratory for Molecular Medicine, Mass General Brigham Personalized Medicine); PubMed 12717436 (cited by Women's Health and Genetics/Laboratory Corporation of America, LabCorp and Laboratory for Molecular Medicine, Mass General Brigham Personalized Medicine); PubMed 15928039 (cited by Women's Health and Genetics/Laboratory Corporation of America, LabCorp and Laboratory for Molecular Medicine, Mass General Brigham Personalized Medicine); PubMed 25097206 (cited by Women's Health and Genetics/Laboratory Corporation of America, LabCorp); PubMed 19047918 (cited by Women's Health and Genetics/Laboratory Corporation of America, LabCorp and Laboratory for Molecular Medicine, Mass General Brigham Personalized Medicine); PubMed 28098151 (cited by Women's Health and Genetics/Laboratory Corporation of America, LabCorp); PubMed 19179468 (cited by Women's Health and Genetics/Laboratory Corporation of America, LabCorp); PubMed 17972951 (cited by Women's Health and Genetics/Laboratory Corporation of America, LabCorp); PubMed 15710330 (cited by Women's Health and Genetics/Laboratory Corporation of America, LabCorp); PubMed 25395418 (cited by Women's Health and Genetics/Laboratory Corporation of America, LabCorp); PubMed 27069254 (cited by Women's Health and Genetics/Laboratory Corporation of America, LabCorp).